The following is an entry in ClinVar:

NM_020987.5(ANK3):c.5077A>G (p.Lys1693Glu)

Gene: ANK3 (ankyrin 3; minus strand). Cytogenetic location: 10q21.2.
Variant type: single nucleotide variant.
Coding change: c.5077A>G on transcript NM_020987.5 (MANE Select); coding-DNA position 5077, A replaced by G.
Protein change: p.Lys1693Glu; replaces lysine 1693 with glutamic acid.
Molecular consequence: missense variant. On other transcripts: intron variant (4).
Genome position (GRCh38, 1-based): chr10:60,075,804, T>C on the plus strand (A>G on the coding strand, the complement: ANK3 is on the minus strand). VCF-style: chr10-60075804-T-C. GRCh37 (hg19) VCF-style: chr10-61835562-T-C.
Other names: c.4387+4733A>G (NM_001204403.2); c.4408+4733A>G (NM_001204404.2); c.4405+4733A>G (NM_001320874.2); c.1807+4733A>G (NM_001149.4); short protein forms K1693E.
Identifiers: ClinVar variation 3640640 (VCV003640640.2).

ClinVar aggregate classification (germline): Uncertain significance (1 of 4 stars; one submission).

Submission:

Labcorp Genetics (formerly Invitae), Labcorp
Classification: Uncertain significance. Last evaluated: 2024-04-02. Review status: criteria provided, single submitter. Criteria: Invitae Variant Classification Sherloc (09022015). Collection method: clinical testing. Allele origin: germline.
Comment: This sequence change replaces lysine, which is basic and polar, with glutamic acid, which is acidic and polar, at codon 1693 of the ANK3 protein (p.Lys1693Glu). This variant is not present in population databases (gnomAD no frequency). This variant has not been reported in the literature in individuals affected with ANK3-related conditions. Advanced modeling of protein sequence and biophysical properties (such as structural, functional, and spatial information, amino acid conservation, physicochemical variation, residue mobility, and thermodynamic stability) performed at Invitae indicates that this missense variant is not expected to disrupt ANK3 protein function with a negative predictive value of 80%. In summary, the available evidence is currently insufficient to determine the role of this variant in disease. Therefore, it has been classified as a Variant of Uncertain Significance.